The following is an entry in ClinVar:

NM_018129.4(PNPO):c.698G>A (p.Arg233Gln)

Gene: PNPO (pyridoxamine 5'-phosphate oxidase; plus strand). Cytogenetic location: 17q21.32.
Variant type: single nucleotide variant.
Coding change: c.698G>A on transcript NM_018129.4 (MANE Select); coding-DNA position 698, G replaced by A.
Protein change: p.Arg233Gln; replaces arginine 233 with glutamine.
Molecular consequence: missense variant.
Genome position (GRCh38, 1-based): chr17:47,946,694, G>A. VCF-style: chr17-47946694-G-A. GRCh37 (hg19) VCF-style: chr17-46024060-G-A.
Other names: p.R233Q:CGG>CAG; p.Arg233Gln; short protein forms R233Q.
Identifiers: ClinVar variation 206453 (VCV000206453.16), dbSNP rs144390543, ClinGen allele CA316570.
Genomic context (GRCh38, chr17:47,946,694, plus strand): 5'-CTCAGGTGATGGAGTTCTGGCAAGGTCAAACCAACCGCCTGCATGACCGGATAGTCTTTC[G>A]GCGGGGCCTACCCACAGGAGATTCCCCTTTGGGGCCCATGACCCACCGCGGGGAGGAAGA-3'
Protein context (NP_060599.1, residues 223-243): TNRLHDRIVF[Arg233Gln]RGLPTGDSPL

ClinVar aggregate classification (germline): Uncertain significance. Review status: criteria provided, multiple submitters, no conflicts (2 of 4 stars). 5 submissions from 5 submitters: Uncertain significance (5). Last evaluated 2025-06-06.

Conditions:
Inborn genetic diseases. Identifiers: MedGen C0950123, MeSH D030342.
Pyridoxal phosphate-responsive seizures (PNPOD). Also called: SEIZURES, PYRIDOXINE-RESISTANT, PLP-SENSITIVE; EPILEPTIC ENCEPHALOPATHY, NEONATAL, PNPO-RELATED; Pyridoxine-5'-phosphate oxidase deficiency; Pyridoxal 5'-Phosphate (PLP)-Dependent Epilepsy; Pyridoxamine 5-Prime-Phosphate Oxidase Deficiency. Identifiers: Orphanet 79096, MedGen C1864723, MONDO:0012407, OMIM 610090. Disease mechanism: loss of function.

Allele frequency attached by ClinVar (database versions not stated): gnomAD exomes 0.00014; 1000 Genomes Project 30x 0.00016; ExAC 0.00017; 1000 Genomes Project 0.00020; gnomAD 0.00042 and 0.00047; ESP Exome Variant Server 0.00046; TOPMed 0.00053.
gnomAD v4.1: 143 of 1,614,170 alleles (0.0089%); highest among the groups gnomAD compares: African/African-American, 0.14%; 2 homozygotes.

Submissions (5):

Mayo Clinic Laboratories, Mayo Clinic
Classification: Uncertain significance. Last evaluated: 2025-06-06. Review status: criteria provided, single submitter. Criteria: ACMG Guidelines, 2015. Collection method: clinical testing. Allele origin: germline. Observed: 1 variant allele.
Comment: BS1

GeneDx
Classification: Uncertain significance. Last evaluated: 2023-08-30. Review status: criteria provided, single submitter. Criteria: GeneDx Variant Classification Process June 2021. Collection method: clinical testing. Allele origin: germline. Affected: yes.
Comment: In silico analysis supports that this missense variant does not alter protein structure/function; Has not been previously published as pathogenic or benign to our knowledge

Labcorp Genetics (formerly Invitae), Labcorp
Classification: Uncertain significance for Pyridoxal phosphate-responsive seizures. Last evaluated: 2022-08-21. Review status: criteria provided, single submitter. Criteria: Invitae Variant Classification Sherloc (09022015). Collection method: clinical testing. Allele origin: germline.
Comment: This sequence change replaces arginine, which is basic and polar, with glutamine, which is neutral and polar, at codon 233 of the PNPO protein (p.Arg233Gln). This variant is present in population databases (rs144390543, gnomAD 0.2%). This variant has not been reported in the literature in individuals affected with PNPO-related conditions. ClinVar contains an entry for this variant (Variation ID: 206453). Algorithms developed to predict the effect of missense changes on protein structure and function (SIFT, PolyPhen-2, Align-GVGD) all suggest that this variant is likely to be tolerated. Algorithms developed to predict the effect of sequence changes on RNA splicing suggest that this variant may create or strengthen a splice site. In summary, the available evidence is currently insufficient to determine the role of this variant in disease. Therefore, it has been classified as a Variant of Uncertain Significance.

Revvity Omics, Revvity
Classification: Uncertain significance for Pyridoxal phosphate-responsive seizures. Last evaluated: 2019-05-14. Review status: criteria provided, single submitter. Criteria: ACMG Guidelines, 2015. Collection method: clinical testing. Allele origin: germline.

Ambry Genetics
Classification: Uncertain significance for Inborn genetic diseases. Last evaluated: 2018-01-19. Review status: criteria provided, single submitter. Criteria: Ambry Variant Classification Scheme 2023. Collection method: clinical testing. Allele origin: germline.
Comment: The p.R233Q variant (also known as c.698G>A), located in coding exon 7 of the PNPO gene, results from a G to A substitution at nucleotide position 698. The arginine at codon 233 is replaced by glutamine, an amino acid with highly similar properties. This amino acid position is highly conserved in available vertebrate species. In addition, the in silico prediction for this alteration is inconclusive. Since supporting evidence is limited at this time, the clinical significance of this alteration remains unclear.